The following is an entry in ClinVar:

NM_001369.3(DNAH5):c.1375G>A (p.Ala459Thr)

Gene: DNAH5 (dynein axonemal heavy chain 5; minus strand). Cytogenetic location: 5p15.2.
Variant type: single nucleotide variant.
Coding change: c.1375G>A on transcript NM_001369.3 (MANE Select); coding-DNA position 1375, G replaced by A.
Protein change: p.Ala459Thr; replaces alanine 459 with threonine.
Molecular consequence: missense variant.
Genome position (GRCh38, 1-based): chr5:13,913,904, C>T on the plus strand (G>A on the coding strand, the complement: DNAH5 is on the minus strand). VCF-style: chr5-13913904-C-T. GRCh37 (hg19) VCF-style: chr5-13914013-C-T.
Other names: short protein forms A459T.
Identifiers: ClinVar variation 2565919 (VCV002565919.2), dbSNP rs1421332082, ClinGen allele CA359214343.

ClinVar aggregate classification (germline): Uncertain significance (1 of 4 stars; one submission).

Conditions:
Primary ciliary dyskinesia. Also called: Ciliary dyskinesia. Identifiers: Orphanet 244, MedGen C0008780, MONDO:0016575, HP:0012265.

gnomAD v4.1: 1 of 1,613,460 alleles (0.000062%); highest among the groups gnomAD compares: Non-Finnish European, 0.000085%; no homozygotes.

Submission:

Ambry Genetics
Classification: Uncertain significance for Primary ciliary dyskinesia. Last evaluated: 2023-05-27. Review status: criteria provided, single submitter. Criteria: Ambry Variant Classification Scheme 2023. Collection method: clinical testing. Allele origin: germline.
Comment: The p.A459T variant (also known as c.1375G>A), located in coding exon 11 of the DNAH5 gene, results from a G to A substitution at nucleotide position 1375. The alanine at codon 459 is replaced by threonine, an amino acid with similar properties. This amino acid position is conserved. In addition, this alteration is predicted to be tolerated by in silico analysis. Since supporting evidence is limited at this time, the clinical significance of this alteration remains unclear.